The following is an entry in ClinVar:

NM_001103.4(ACTN2):c.2207A>T (p.Asn736Ile)

Gene: ACTN2 (actinin alpha 2; plus strand). Cytogenetic location: 1q43.
Variant type: single nucleotide variant.
Coding change: c.2207A>T on transcript NM_001103.4 (MANE Select); coding-DNA position 2207, A replaced by T.
Protein change: p.Asn736Ile; replaces asparagine 736 with isoleucine.
Molecular consequence: missense variant. On other transcripts: non-coding transcript variant (1).
Genome position (GRCh38, 1-based): chr1:236,757,538, A>T. VCF-style: chr1-236757538-A-T. GRCh37 (hg19) VCF-style: chr1-236920838-A-T.
Other names: c.2207A>T, p.Asn736Ile (NM_001278343.2); c.1583A>T, p.Asn528Ile (NM_001278344.2); c.1457A>T, p.Asn486Ile (NM_001412150.1); short protein forms N528I, N736I, N486I.
Identifiers: ClinVar variation 2447690 (VCV002447690.2), dbSNP rs1350703409, ClinGen allele CA345388820.
Genomic context (GRCh38, chr1:236,757,538, plus strand): 5'-CTCAATAGCACATTCGTGTTGGATGGGAGCTGCTGCTGACAACCATCGCCAGAACCATCA[A>T]TGAGGTGGAGACTCAGATCCTGACGAGAGATGCGAAGGGCATCACCCAGGAGCAGATGAA-3'
Protein context (NP_001094.1, residues 726-746): LLLTTIARTI[Asn736Ile]EVETQILTRD

ClinVar aggregate classification (germline): Uncertain significance (1 of 4 stars; one submission).

Conditions:
Cardiovascular phenotype. Identifiers: MedGen CN230736.

Submission:

Ambry Genetics
Classification: Uncertain significance for Cardiovascular phenotype. Last evaluated: 2022-11-27. Review status: criteria provided, single submitter. Criteria: Ambry Variant Classification Scheme 2023. Collection method: clinical testing. Allele origin: germline.
Comment: The p.N736I variant (also known as c.2207A>T), located in coding exon 18 of the ACTN2 gene, results from an A to T substitution at nucleotide position 2207. The asparagine at codon 736 is replaced by isoleucine, an amino acid with dissimilar properties. This amino acid position is conserved. In addition, the in silico prediction for this alteration is inconclusive. Since supporting evidence is limited at this time, the clinical significance of this alteration remains unclear.